The following is an entry in ClinVar:

ClinVar aggregate classification (germline): Likely pathogenic (1 of 4 stars; one submission).

Conditions:
Autosomal recessive limb-girdle muscular dystrophy type 2J (LGMDR10). Also called: Limb-girdle muscular dystrophy, type 2J; MUSCULAR DYSTROPHY, LIMB-GIRDLE, AUTOSOMAL RECESSIVE 10. Identifiers: Orphanet 140922, MedGen C1837342, MONDO:0012127, OMIM 608807.
Dilated cardiomyopathy 1G (CMD1G). Identifiers: Orphanet 154, MedGen C1858763, MONDO:0011400, OMIM 604145.

Submission:

Labcorp Genetics (formerly Invitae), Labcorp
Classification: Likely pathogenic for Dilated cardiomyopathy 1G; Autosomal recessive limb-girdle muscular dystrophy type 2J. Last evaluated: 2024-10-18. Review status: criteria provided, single submitter. Criteria: Invitae Variant Classification Sherloc (09022015). Collection method: clinical testing. Allele origin: germline.
Comment: This sequence change creates a premature translational stop signal (p.Lys1978Serfs*2) in the TTN gene. While this is not anticipated to result in nonsense mediated decay, it is expected to create a truncated TTN protein. This variant is not present in population databases (gnomAD no frequency). This variant has not been reported in the literature in individuals affected with TTN-related conditions. ClinVar contains an entry for this variant (Variation ID: 843832). This variant is located in the Z band of TTN (PMID: 25589632). Truncating variants in this region have been reported in individuals affected with autosomal recessive centronuclear myopathy (PMID: 33449170, internal data). Truncating variants in this region have also been identified in individuals affected with autosomal dominant dilated cardiomyopathy and/or cardio-related conditions (PMID: 27869827, 32964742, internal data). In summary, the currently available evidence indicates that the variant is pathogenic, but additional data are needed to prove that conclusively. Therefore, this variant has been classified as Likely Pathogenic.

Literature cited by the submitters: PubMed 25589632; PubMed 33449170; PubMed 27869827; PubMed 32964742.

NM_001267550.2(TTN):c.5933del (p.Lys1978fs)

Gene: TTN (titin; minus strand). Cytogenetic location: 2q31.2.
Variant type: Deletion.
Coding change: c.5933del on transcript NM_001267550.2 (MANE Select); coding-DNA position 5933, one base deleted (A; older notation c.5933delA).
Protein change: p.Lys1978fs; shifts the reading frame from lysine 1978.
Molecular consequence: frameshift variant.
Genome position (GRCh38, 1-based): chr2:178,775,931, T deleted on the plus strand (A on the coding strand, the reverse complement: TTN is on the minus strand); the first of 2 consecutive T bases (chr2:178,775,931-178,775,932); deleting either gives the same sequence. VCF-style (leftmost placement, unchanged base first): chr2-178775930-CT-C. GRCh37 (hg19) VCF-style: chr2-179640657-CT-C.
Other names: c.5933del, p.Lys1978fs (NM_001256850.1, NM_133378.4, NM_133379.5); c.5795del, p.Lys1932fs (NM_003319.4, NM_133432.3, NM_133437.4); short protein forms K1932fs, K1978fs.
Identifiers: ClinVar variation 843832 (VCV000843832.10), dbSNP rs2092169389, ClinGen allele CA916081377.